The following is an entry in ClinVar:

ClinVar aggregate classification (germline): Uncertain significance (1 of 4 stars; one submission).

gnomAD v4.1: 8 of 1,614,204 alleles (0.0005%); highest among the groups gnomAD compares: Non-Finnish European, 0.00051%; no homozygotes.

Submission:

Labcorp Genetics (formerly Invitae), Labcorp
Classification: Uncertain significance. Last evaluated: 2022-06-27. Review status: criteria provided, single submitter. Criteria: Invitae Variant Classification Sherloc (09022015). Collection method: clinical testing. Allele origin: germline.
Comment: In summary, the available evidence is currently insufficient to determine the role of this variant in disease. Therefore, it has been classified as a Variant of Uncertain Significance. Advanced modeling of protein sequence and biophysical properties (such as structural, functional, and spatial information, amino acid conservation, physicochemical variation, residue mobility, and thermodynamic stability) performed at Invitae indicates that this missense variant is expected to disrupt TPP1 protein function. This variant has not been reported in the literature in individuals affected with TPP1-related conditions. This variant is present in population databases (rs766934252, gnomAD 0.004%). This sequence change replaces proline, which is neutral and non-polar, with serine, which is neutral and polar, at codon 396 of the TPP1 protein (p.Pro396Ser).

NM_000391.4(TPP1):c.1186C>T (p.Pro396Ser)

Gene: TPP1 (tripeptidyl peptidase 1; minus strand). Cytogenetic location: 11p15.4.
Variant type: single nucleotide variant.
Coding change: c.1186C>T on transcript NM_000391.4 (MANE Select); coding-DNA position 1186, C replaced by T.
Protein change: p.Pro396Ser; replaces proline 396 with serine.
Molecular consequence: missense variant.
Genome position (GRCh38, 1-based): chr11:6,615,522, G>A on the plus strand (C>T on the coding strand, the complement: TPP1 is on the minus strand). VCF-style: chr11-6615522-G-A. GRCh37 (hg19) VCF-style: chr11-6636753-G-A.
Other names: short protein forms P396S.
Identifiers: ClinVar variation 1396676 (VCV001396676.6), dbSNP rs766934252, ClinGen allele CA5858708.